The following is an entry in ClinVar:

ClinVar aggregate classification (germline): Likely benign (1 of 4 stars; one submission).

Allele frequency attached by ClinVar (database versions not stated): TOPMed below 0.00001.

Submission:

GeneDx
Classification: Likely benign. Last evaluated: 2017-12-27. Review status: criteria provided, single submitter. Criteria: GeneDx Variant Classification (06012015). Collection method: clinical testing. Allele origin: germline. Affected: yes.
Comment: This variant is considered likely benign or benign based on one or more of the following criteria: it is a conservative change, it occurs at a poorly conserved position in the protein, it is predicted to be benign by multiple in silico algorithms, and/or has population frequency not consistent with disease.

NM_001876.4(CPT1A):c.1875+6G>A

Gene: CPT1A (carnitine palmitoyltransferase 1A; minus strand). Cytogenetic location: 11q13.3.
Variant type: single nucleotide variant.
Coding change: c.1875+6G>A on transcript NM_001876.4 (MANE Select); 6 bases into the intron after coding-DNA position 1875, G replaced by A.
Molecular consequence: intron variant.
Genome position (GRCh38, 1-based): chr11:68,762,621, C>T on the plus strand (G>A on the coding strand, the complement: CPT1A is on the minus strand). VCF-style: chr11-68762621-C-T. GRCh37 (hg19) VCF-style: chr11-68530089-C-T.
Other names: c.1875+6G>A (NM_001031847.3).
Identifiers: ClinVar variation 514009 (VCV000514009.1), dbSNP rs1555226547, ClinGen allele CA658797699.